The following is an entry in ClinVar:

NM_006648.4(WNK2):c.6002C>T (p.Thr2001Met)

Gene: WNK2 (WNK lysine deficient protein kinase 2; plus strand). Cytogenetic location: 9q22.31.
Variant type: single nucleotide variant.
Coding change: c.6002C>T on transcript NM_006648.4 (MANE Select); coding-DNA position 6002, C replaced by T.
Protein change: p.Thr2001Met; replaces threonine 2001 with methionine.
Molecular consequence: missense variant.
Genome position (GRCh38, 1-based): chr9:93,299,148, C>T. VCF-style: chr9-93299148-C-T. GRCh37 (hg19) VCF-style: chr9-96061430-C-T.
Other names: c.6113C>T, p.Thr2038Met (NM_001282394.3); short protein forms T2038M, T2001M.
Identifiers: ClinVar variation 3817128 (VCV003817128.1).

ClinVar aggregate classification (germline): Uncertain significance (1 of 4 stars; one submission).

gnomAD v4.1: 18 of 1,611,532 alleles (0.0011%); highest among the groups gnomAD compares: Middle Eastern, 0.033%; no homozygotes.

Submission:

Ambry Genetics
Classification: Uncertain significance. Last evaluated: 2025-02-22. Review status: criteria provided, single submitter. Criteria: Ambry Variant Classification Scheme 2023. Collection method: clinical testing. Allele origin: germline.
Comment: The p.T2001M variant (also known as c.6002C>T), located in coding exon 24 of the WNK2 gene, results from a C to T substitution at nucleotide position 6002. The threonine at codon 2001 is replaced by methionine, an amino acid with similar properties. This amino acid position is conserved. In addition, this alteration is predicted to be deleterious by in silico analysis. Based on the available evidence, the clinical significance of this variant remains unclear.